The following is an entry in ClinVar:

ClinVar aggregate classification (germline): Benign (1 of 4 stars; one submission).

Conditions:
Familial cancer of breast. Also called: hereditary breast carcinoma; BREAST CANCER, FAMILIAL; Hereditary breast cancer. Identifiers: Orphanet 227535, MedGen C0346153, MONDO:0016419, OMIM 114480. Disease mechanism: loss of function.

Submission:

Myriad Genetics, Inc.
Classification: Benign for Familial cancer of breast. Last evaluated: 2024-06-20. Review status: criteria provided, single submitter. Criteria: Myriad Autosomal Dominant, Autosomal Recessive and X-Linked Classification Criteria (2023). Collection method: clinical testing. Allele origin: unknown.
Comment: This variant is considered benign. This variant is a silent/synonymous amino acid change and it is not expected to impact splicing.

NM_000051.4(ATM):c.8439T>C (p.Phe2813=)

Genes: ATM (ATM serine/threonine kinase; plus strand), C11orf65 (chromosome 11 open reading frame 65; minus strand). Cytogenetic location: 11q22.3.
Variant type: single nucleotide variant.
Coding change: c.8439T>C on transcript NM_000051.4 (MANE Select); coding-DNA position 8439, T replaced by C.
Protein change: p.Phe2813=; no amino-acid change (phenylalanine 2813 retained).
Molecular consequence: synonymous variant. On other transcripts: intron variant (2).
Genome position (GRCh38, 1-based): chr11:108,345,763, T>C. VCF-style: chr11-108345763-T-C. GRCh37 (hg19) VCF-style: chr11-108216490-T-C.
Other names: c.8439T>C, p.Phe2813= (NM_001351834.2); c.641-36692A>G (NM_001330368.2); c.695-10471A>G (NM_001351110.2).
Identifiers: ClinVar variation 3254518 (VCV003254518.1), dbSNP rs2137025617.